The following is an entry in ClinVar:

ClinVar aggregate classification (germline): Uncertain significance (1 of 4 stars; one submission).

Allele frequency attached by ClinVar (database versions not stated): gnomAD 0.00001; gnomAD exomes 0.00001; TOPMed 0.00001.
gnomAD v4.1: 4 of 1,614,104 alleles (0.00025%); highest among the groups gnomAD compares: Admixed American, 0.0067%; no homozygotes.

Submission:

Labcorp Genetics (formerly Invitae), Labcorp
Classification: Uncertain significance. Last evaluated: 2025-01-06. Review status: criteria provided, single submitter. Criteria: Invitae Variant Classification Sherloc (09022015). Collection method: clinical testing. Allele origin: germline.
Comment: This sequence change replaces valine, which is neutral and non-polar, with methionine, which is neutral and non-polar, at codon 980 of the FN1 protein (p.Val980Met). This variant is present in population databases (no rsID available, gnomAD 0.009%). This missense change has been observed in individual(s) with focal segmental glomerulosclerosis (PMID: 31308072). ClinVar contains an entry for this variant (Variation ID: 1480490). An algorithm developed to predict the effect of missense changes on protein structure and function (PolyPhen-2) suggests that this variant is likely to be disruptive. In summary, the available evidence is currently insufficient to determine the role of this variant in disease. Therefore, it has been classified as a Variant of Uncertain Significance.

Literature cited by the submitters: PubMed 31308072.

NM_212482.4(FN1):c.2938G>A (p.Val980Met)

Gene: FN1 (fibronectin 1; minus strand). Cytogenetic location: 2q35.
Variant type: single nucleotide variant.
Coding change: c.2938G>A on transcript NM_212482.4 (MANE Select); coding-DNA position 2938, G replaced by A.
Protein change: p.Val980Met; replaces valine 980 with methionine.
Molecular consequence: missense variant.
Genome position (GRCh38, 1-based): chr2:215,406,286, C>T on the plus strand (G>A on the coding strand, the complement: FN1 is on the minus strand). VCF-style: chr2-215406286-C-T. GRCh37 (hg19) VCF-style: chr2-216271009-C-T.
Other names: c.2938G>A, p.Val980Met (NM_001306129.2, NM_001306130.2, NM_001306131.2 and 13 more transcripts); short protein forms V980M.
Identifiers: ClinVar variation 1480490 (VCV001480490.8), dbSNP rs1409849102, ClinGen allele CA350489712.